The following is an entry in ClinVar:

NM_001005361.3(DNM2):c.849+9A>G

Gene: DNM2 (dynamin 2; plus strand). Cytogenetic location: 19p13.2.
Variant type: single nucleotide variant.
Coding change: c.849+9A>G on transcript NM_001005361.3 (MANE Select); 9 bases into the intron after coding-DNA position 849, A replaced by G.
Molecular consequence: intron variant.
Genome position (GRCh38, 1-based): chr19:10,783,129, A>G. VCF-style: chr19-10783129-A-G. GRCh37 (hg19) VCF-style: chr19-10893805-A-G.
Other names: p.?; c.849+9A>G (NM_001005360.2, NM_001005360.3, NM_001190716.2 and 2 more transcripts).
Identifiers: ClinVar variation 3008593 (VCV003008593.4), dbSNP rs776761320, ClinGen allele CA9200899.

ClinVar aggregate classification (germline): Likely benign. Review status: criteria provided, multiple submitters, no conflicts (2 of 4 stars). 2 submissions from 2 submitters: Likely benign (2). Last evaluated 2025-03-18.

Conditions:
Charcot-Marie-Tooth disease dominant intermediate B (CMTDIB). Also called: Charcot-Marie-Tooth disease dominant intermediate 1; CMT DI1; Charcot-Marie-Tooth disease dominant intermediate I; CHARCOT-MARIE-TOOTH NEUROPATHY, DOMINANT INTERMEDIATE B. Identifiers: Orphanet 100044, Orphanet 228179, MedGen C1847902, MONDO:0011674, OMIM 606482.

Allele frequency attached by ClinVar (database versions not stated): ExAC 0.00001; gnomAD 0.00001; gnomAD exomes 0.00001; TOPMed 0.00002.
gnomAD v4.1: 7 of 1,609,080 alleles (0.00044%); highest among the groups gnomAD compares: Admixed American, 0.012%; no homozygotes.

Submissions (2):

Mayo Clinic Laboratories, Mayo Clinic
Classification: Likely benign. Last evaluated: 2025-03-18. Review status: criteria provided, single submitter. Criteria: ACMG Guidelines, 2015. Collection method: clinical testing. Allele origin: germline. Observed: 1 variant allele.
Comment: BP4, BP7

Labcorp Genetics (formerly Invitae), Labcorp
Classification: Likely benign for Charcot-Marie-Tooth disease dominant intermediate B. Last evaluated: 2023-07-28. Review status: criteria provided, single submitter. Criteria: Invitae Variant Classification Sherloc (09022015). Collection method: clinical testing. Allele origin: germline.